The following is an entry in ClinVar:

ClinVar aggregate classification (germline): Uncertain significance (1 of 4 stars; one submission).

Submission:

Labcorp Genetics (formerly Invitae), Labcorp
Classification: Uncertain significance. Last evaluated: 2021-01-06. Review status: criteria provided, single submitter. Criteria: Invitae Variant Classification Sherloc (09022015). Collection method: clinical testing. Allele origin: germline.
Comment: This variant has not been reported in the literature in individuals with GRIN2D-related conditions. In summary, the available evidence is currently insufficient to determine the role of this variant in disease. Therefore, it has been classified as a Variant of Uncertain Significance. Advanced modeling of protein sequence and biophysical properties (such as structural, functional, and spatial information, amino acid conservation, physicochemical variation, residue mobility, and thermodynamic stability) performed at Invitae indicates that this missense variant is not expected to disrupt GRIN2D protein function. The frequency data for this variant in the population databases is considered unreliable, as metrics indicate insufficient coverage at this position in the ExAC database. This sequence change replaces leucine with proline at codon 152 of the GRIN2D protein (p.Leu152Pro). The leucine residue is weakly conserved and there is a moderate physicochemical difference between leucine and proline.

NM_000836.4(GRIN2D):c.455T>C (p.Leu152Pro)

Genes: GRIN2D (glutamate ionotropic receptor NMDA type subunit 2D; plus strand), LOC130064856 (ATAC-STARR-seq lymphoblastoid silent region 10880; plus strand). Cytogenetic location: 19q13.33.
Variant type: single nucleotide variant.
Coding change: c.455T>C on transcript NM_000836.4 (MANE Select); coding-DNA position 455, T replaced by C.
Protein change: p.Leu152Pro; replaces leucine 152 with proline.
Molecular consequence: missense variant.
Genome position (GRCh38, 1-based): chr19:48,398,847, T>C. VCF-style: chr19-48398847-T-C. GRCh37 (hg19) VCF-style: chr19-48902104-T-C.
Other names: short protein forms L152P.
Identifiers: ClinVar variation 1362970 (VCV001362970.8), dbSNP rs2147434826, ClinGen allele CA406689258.
Genomic context (GRCh38, chr19:48,398,847, plus strand): 5'-TCCTGTCGGCGCAGACCTCGCTGCCCATCGTGGCCGTGCACGGCGGCGCCGCGCTCGTGC[T>C]CACGCCCAAGGTGCGCGCGACCGGGGCGGGGCGGGGCCACAGGAGGGGCGGGGACAGCCG-3'
Protein context (NP_000827.2, residues 142-162): VAVHGGAALV[Leu152Pro]TPKEKGSTFL